The following is an entry in ClinVar:

NM_032043.3(BRIP1):c.1394G>A (p.Cys465Tyr)

Gene: BRIP1 (BRCA1 interacting DNA helicase 1; minus strand). Cytogenetic location: 17q23.2.
Variant type: single nucleotide variant.
Coding change: c.1394G>A on transcript NM_032043.3 (MANE Select); coding-DNA position 1394, G replaced by A.
Protein change: p.Cys465Tyr; replaces cysteine 465 with tyrosine.
Molecular consequence: missense variant.
Genome position (GRCh38, 1-based): chr17:61,793,676, C>T on the plus strand (G>A on the coding strand, the complement: BRIP1 is on the minus strand). VCF-style: chr17-61793676-C-T. GRCh37 (hg19) VCF-style: chr17-59871037-C-T.
Other names: short protein forms C465Y.
Identifiers: ClinVar variation 819079 (VCV000819079.5), dbSNP rs1603340346, ClinGen allele CA400482208.

ClinVar aggregate classification (germline): Uncertain significance (1 of 4 stars; one submission).

Conditions:
Hereditary cancer-predisposing syndrome. Also called: Tumor predisposition; Hereditary neoplastic syndrome; Neoplastic Syndromes, Hereditary; Hereditary Cancer Syndrome. Identifiers: Orphanet 140162, MedGen C0027672, MeSH D009386, MONDO:0015356.

Submission:

Ambry Genetics
Classification: Uncertain significance for Hereditary cancer-predisposing syndrome. Last evaluated: 2024-11-23. Review status: criteria provided, single submitter. Criteria: Ambry Variant Classification Scheme 2023. Collection method: clinical testing. Allele origin: germline.
Comment: The p.C465Y variant (also known as c.1394G>A), located in coding exon 9 of the BRIP1 gene, results from a G to A substitution at nucleotide position 1394. The cysteine at codon 465 is replaced by tyrosine, an amino acid with highly dissimilar properties. This amino acid position is highly conserved in available vertebrate species. In addition, the in silico prediction for this alteration is inconclusive. Since supporting evidence is limited at this time, the clinical significance of this alteration remains unclear.